The following is an entry in ClinVar:

ClinVar aggregate classification (germline): Conflicting classifications of pathogenicity. Review status: criteria provided, conflicting classifications (1 of 4 stars). 5 submissions from 5 submitters: Uncertain significance (1); Likely benign (4). Last evaluated 2025-11-24.

Conditions:
Autosomal recessive limb-girdle muscular dystrophy type 2J (LGMDR10). Also called: Limb-girdle muscular dystrophy, type 2J; MUSCULAR DYSTROPHY, LIMB-GIRDLE, AUTOSOMAL RECESSIVE 10. Identifiers: Orphanet 140922, MedGen C1837342, MONDO:0012127, OMIM 608807.
Dilated cardiomyopathy 1G (CMD1G). Identifiers: Orphanet 154, MedGen C1858763, MONDO:0011400, OMIM 604145.
TTN-related disorder. Also called: TTN-related condition; TTN-related disease; TTN-related disorders.
Cardiovascular phenotype. Identifiers: MedGen CN230736.

Allele frequency attached by ClinVar (database versions not stated): gnomAD 0.00007 and 0.00008; ESP Exome Variant Server 0.00008; TOPMed 0.00014; 1000 Genomes Project 0.00020; 1000 Genomes Project 30x 0.00031.
gnomAD v4.1: 40 of 1,613,364 alleles (0.0025%); highest among the groups gnomAD compares: African/African-American, 0.04%; no homozygotes.

Submissions (5):

Labcorp Genetics (formerly Invitae), Labcorp
Classification: Likely benign for Dilated cardiomyopathy 1G; Autosomal recessive limb-girdle muscular dystrophy type 2J. Last evaluated: 2025-11-24. Review status: criteria provided, single submitter. Criteria: Invitae Variant Classification Sherloc (09022015). Collection method: clinical testing. Allele origin: germline.

PreventionGenetics, part of Exact Sciences
Classification: Likely benign for TTN-related condition. Last evaluated: 2025-09-30. Review status: criteria provided, single submitter. Criteria: ACMG Guidelines, 2015. Collection method: clinical testing. Allele origin: germline.
Comment: This variant is classified as likely benign based on ACMG/AMP sequence variant interpretation guidelines (Richards et al. 2015 PMID: 25741868, with internal and published modifications).

Ambry Genetics
Classification: Likely benign for Cardiovascular phenotype. Last evaluated: 2022-10-17. Review status: criteria provided, single submitter. Criteria: Ambry Variant Classification Scheme 2023. Collection method: clinical testing. Allele origin: germline.

CeGaT Center for Human Genetics Tuebingen
Classification: Uncertain significance. Last evaluated: 2016-11-01. Review status: criteria provided, single submitter. Criteria: CeGaT Center For Human Genetics Tuebingen Variant Classification Criteria Version 2. Collection method: clinical testing. Allele origin: germline. Affected: yes. Observed: 1 variant allele.

GeneDx
Classification: Likely benign. Last evaluated: 2016-10-20. Review status: criteria provided, single submitter. Criteria: GeneDx Variant Classification (06012015). Collection method: clinical testing. Allele origin: germline. Affected: yes.
Comment: This variant is considered likely benign or benign based on one or more of the following criteria: it is a conservative change, it occurs at a poorly conserved position in the protein, it is predicted to be benign by multiple in silico algorithms, and/or has population frequency not consistent with disease.

NM_001267550.2(TTN):c.79344G>T (p.Val26448=)

Genes: TTN (titin; minus strand), TTN-AS1 (TTN antisense RNA 1; plus strand). Cytogenetic location: 2q31.2.
Variant type: single nucleotide variant.
Coding change: c.79344G>T on transcript NM_001267550.2 (MANE Select); coding-DNA position 79344, G replaced by T.
Protein change: p.Val26448=; no amino-acid change (valine 26448 retained).
Molecular consequence: synonymous variant.
Genome position (GRCh38, 1-based): chr2:178,566,788, C>A on the plus strand (G>T on the coding strand, the complement: TTN is on the minus strand). VCF-style: chr2-178566788-C-A. GRCh37 (hg19) VCF-style: chr2-179431515-C-A.
Other names: c.74421G>T, p.Val24807= (NM_001256850.1); c.52149G>T, p.Val17383= (NM_003319.4); c.71640G>T, p.Val23880= (NM_133378.4); c.52524G>T, p.Val17508= (NM_133432.3); c.52725G>T, p.Val17575= (NM_133437.4).
Identifiers: ClinVar variation 390126 (VCV000390126.55), dbSNP rs369875680, ClinGen allele CA1989485.